The following is an entry in ClinVar:

ClinVar aggregate classification (germline): Uncertain significance (1 of 4 stars; one submission).

Conditions:
SCN2A-related disorder. Also called: SCN2A-related condition; SCN2A-related disorders. Identifiers: MedGen CN382226, MONDO:1060245.

Submission:

PreventionGenetics, part of Exact Sciences
Classification: Uncertain significance for SCN2A-related condition. Last evaluated: 2025-07-11. Review status: criteria provided, single submitter. Criteria: ACMG Guidelines, 2015. Collection method: clinical testing. Allele origin: germline.
Comment: The SCN2A c.1213T>A variant is predicted to result in the amino acid substitution p.Phe405Ile. To our knowledge, this variant has not been reported in the literature or in a large population database (gnomAD), indicating this variant is rare. At this time, the clinical significance of this variant is uncertain due to the absence of conclusive functional and genetic evidence.

NM_001040142.2(SCN2A):c.1213T>A (p.Phe405Ile)

Gene: SCN2A (sodium voltage-gated channel alpha subunit 2; plus strand). Cytogenetic location: 2q24.3.
Variant type: single nucleotide variant.
Coding change: c.1213T>A on transcript NM_001040142.2 (MANE Select); coding-DNA position 1213, T replaced by A.
Protein change: p.Phe405Ile; replaces phenylalanine 405 with isoleucine.
Molecular consequence: missense variant.
Genome position (GRCh38, 1-based): chr2:165,313,938, T>A. VCF-style: chr2-165313938-T-A. GRCh37 (hg19) VCF-style: chr2-166170448-T-A.
Other names: c.1213T>A, p.Phe405Ile (NM_001040143.2, NM_001371246.1, NM_001371247.1 and 1 more transcripts); short protein forms F405I.
Identifiers: ClinVar variation 2637166 (VCV002637166.2), dbSNP rs2467902532, ClinGen allele CA349022127.